The following is an entry in ClinVar:

ClinVar aggregate classification (germline): Pathogenic. Review status: reviewed by expert panel (3 of 4 stars). 7 submissions from 7 submitters: Pathogenic (1). 6 of the submissions do not count toward it. Last evaluated 2016-09-08.

Conditions:
Hereditary cancer-predisposing syndrome. Also called: Tumor predisposition; Neoplastic Syndromes, Hereditary; Hereditary Cancer Syndrome; Hereditary neoplastic syndrome. Identifiers: Orphanet 140162, MedGen C0027672, MeSH D009386, MONDO:0015356.
Hereditary breast ovarian cancer syndrome. Also called: Hereditary breast and ovarian cancer syndrome (HBOC); Hereditary breast and ovarian cancer syndrome; Hereditary breast and ovarian cancer; Hereditary breast and/or ovarian cancer syndrome; Breast and ovarian cancer; BRCA1- and BRCA2-Associated Hereditary Breast and Ovarian Cancer. Identifiers: Orphanet 145, MedGen C0677776, MeSH D061325, MONDO:0003582. Disease mechanism: loss of function.
Breast-ovarian cancer, familial, susceptibility to, 1 (BROVCA1). Also called: OVARIAN CANCER, SUSCEPTIBILITY TO; BRCA1 Hereditary Breast and Ovarian Cancer. Identifiers: Orphanet 145, MedGen C2676676, MONDO:0011450, OMIM 604370. Disease mechanism: loss of function.

Submissions (7):

Evidence-based Network for the Interpretation of Germline Mutant Alleles (ENIGMA)
Classification: Pathogenic for Breast-ovarian cancer, familial, susceptibility to, 1. Last evaluated: 2016-09-08. Review status: reviewed by expert panel. Criteria: ENIGMA BRCA1/2 Classification Criteria (2015). Collection method: curation. Allele origin: germline.
Comment: Variant allele predicted to encode a truncated non-functional protein.

Labcorp Genetics (formerly Invitae), Labcorp
Classification: Pathogenic for Hereditary breast ovarian cancer syndrome. Last evaluated: 2025-12-30. Review status: criteria provided, single submitter. Criteria: Invitae Variant Classification Sherloc (09022015). Collection method: clinical testing. Allele origin: germline. Not counted in ClinVar's aggregate classification.
Comment: This sequence change creates a premature translational stop signal (p.Asn909Lysfs*6) in the BRCA1 gene. It is expected to result in an absent or disrupted protein product. Loss-of-function variants in BRCA1 are known to be pathogenic (PMID: 20104584). This variant is not present in population databases (gnomAD no frequency). This premature translational stop signal has been observed in individual(s) with breast and/or ovarian cancer (PMID: 10951344, 16683254, 26187060, 26541979). ClinVar contains an entry for this variant (Variation ID: 54660). For these reasons, this variant has been classified as Pathogenic.

Ambry Genetics
Classification: Pathogenic for Hereditary cancer-predisposing syndrome. Last evaluated: 2023-08-15. Review status: criteria provided, single submitter. Criteria: Ambry Variant Classification Scheme 2023. Collection method: clinical testing. Allele origin: germline. Not counted in ClinVar's aggregate classification.
Comment: The c.2726dupA pathogenic mutation, located in coding exon 9 of the BRCA1 gene, results from a duplication of A at nucleotide position 2726, causing a translational frameshift with a predicted alternate stop codon (p.N909Kfs*6). This alteration is expected to result in loss of function by premature protein truncation or nonsense-mediated mRNA decay. As such, this alteration is interpreted as a disease-causing mutation. This alteration has been reported as a founder mutation in the Malaysian population (Sng JH et al. J Med Genet, 2003 Oct;40:e117). This alteration has been identified in individuals with a personal and/or family history of breast and ovarian cancer (Ho GH et al. Cancer, 2000 Aug;89:811-6). This alteration has been reported as a mutation in individuals from a cohort of 1191 cancer index patients who underwent clinical evaluation and testing with multigene panels (Chan GHJ et al. Oncotarget, 2018 Jul;9:30649-30660). Of note, this alteration is also designated as 2845dupA and 2846insA in published literature. This variant is considered to be rare based on population cohorts in the Genome Aggregation Database (gnomAD). In addition to the clinical data presented in the literature, this alteration is expected to result in loss of function by premature protein truncation or nonsense-mediated mRNA decay. As such, this alteration is interpreted as a disease-causing mutation.

Baylor Genetics
Classification: Pathogenic for Breast-ovarian cancer, familial, susceptibility to, 1. Last evaluated: 2020-11-21. Review status: criteria provided, single submitter. Criteria: ACMG Guidelines, 2015. Collection method: clinical testing. Allele origin: unknown. Not counted in ClinVar's aggregate classification.

GeneDx
Classification: Pathogenic. Last evaluated: 2020-04-21. Review status: criteria provided, single submitter. Criteria: GeneDx Variant Classification Process June 2021. Collection method: clinical testing. Allele origin: germline. Affected: yes. Not counted in ClinVar's aggregate classification.
Comment: Frameshift variant predicted to result in protein truncation or nonsense mediated decay in a gene for which loss-of-function is a known mechanism of disease; Not observed in large population cohorts (Lek 2016); Truncating variants in this gene are considered pathogenic by a well-established clinical consortium and/or database; Also known as 2845dupA; Identified in individuals with breast and/or ovarian cancer (Ho 2000, van der Hout 2006, Hasmad 2015, Chan 2018); This variant is associated with the following publications: (PMID: 24578176, 31481248, 26187060, 10951344, 31350202, 30875412, 25833212, 29452958, 30093976, 26541979, 16683254)

Consortium of Investigators of Modifiers of BRCA1/2 (CIMBA), c/o University of Cambridge
Classification: Pathogenic for Breast-ovarian cancer, familial, susceptibility to, 1. Last evaluated: 2015-10-02. Review status: criteria provided, single submitter. Criteria: CIMBA Mutation Classification guidelines May 2016. Collection method: clinical testing. Allele origin: germline. Not counted in ClinVar's aggregate classification.

Breast Cancer Information Core (BIC) (BRCA1)
Classification: Pathogenic for Breast-ovarian cancer, familial 1. Last evaluated: 1999-12-22. Review status: no assertion criteria provided. Collection method: clinical testing. Allele origin: germline. Affected: yes. Observed: 5 variant alleles. Not counted in ClinVar's aggregate classification.

Literature cited by the submitters: PubMed 20104584 (cited by Labcorp Genetics (formerly Invitae), Labcorp); PubMed 10951344 (cited by Labcorp Genetics (formerly Invitae), Labcorp and Ambry Genetics); PubMed 16683254 (cited by Labcorp Genetics (formerly Invitae), Labcorp); PubMed 26187060 (cited by Labcorp Genetics (formerly Invitae), Labcorp); PubMed 26541979 (cited by Labcorp Genetics (formerly Invitae), Labcorp); PubMed 14569140 (cited by Ambry Genetics); PubMed 30093976 (cited by Ambry Genetics).

NM_007294.4(BRCA1):c.2726dup (p.Asn909fs)

Gene: BRCA1 (BRCA1 DNA repair associated; minus strand). Cytogenetic location: 17q21.31.
Variant type: Duplication.
Coding change: c.2726dup on transcript NM_007294.4 (MANE Select); coding-DNA position 2726, one base duplicated (A; older notation c.2726dupA).
Protein change: p.Asn909fs; shifts the reading frame from asparagine 909.
Molecular consequence: frameshift variant. On other transcripts: intron variant (137).
Genome position (GRCh38, 1-based): chr17:43,092,805, T duplicated on the plus strand (A on the coding strand, the reverse complement: BRCA1 is on the minus strand); the first of 4 consecutive T bases (chr17:43,092,805-43,092,808); duplicating any one gives the same sequence. VCF-style (leftmost placement, unchanged base first): chr17-43092804-A-AT. GRCh37 (hg19) VCF-style: chr17-41244821-A-AT.
Other names: 2845insA; c.2726dupA (NM_007294.3); c.788-1773dup (NM_001407970.1, NM_001407980.1, NM_001407993.1 and 17 more transcripts); c.2513dup, p.Asn838fs (NM_001407571.1, NM_001407853.1, NM_001407894.1 and 9 more transcripts); c.2726dup, p.Asn909fs (NM_001407581.1, NM_001407582.1, NM_001407583.1 and 30 more transcripts); c.2723dup, p.Asn908fs (NM_001407587.1, NM_001407590.1, NM_001407591.1 and 22 more transcripts); c.2717dup, p.Asn906fs (NM_001407646.1, NM_001407647.1); c.2603dup, p.Asn868fs (NM_001407648.1, NM_001407664.1, NM_001407665.1 and 19 more transcripts); and 43 more; short protein forms N862fs, N909fs, N613fs, N782fs, N798fs, N820fs, N821fs, N883fs.
Identifiers: ClinVar variation 54660 (VCV000054660.17), dbSNP rs80357614, ClinGen allele CA001793.